The following is an entry in ClinVar:

NM_001375524.1(TRRAP):c.7904C>T (p.Thr2635Met)

Gene: TRRAP (transformation/transcription domain associated protein; plus strand). Cytogenetic location: 7q22.1.
Variant type: single nucleotide variant.
Coding change: c.7904C>T on transcript NM_001375524.1 (MANE Select); coding-DNA position 7904, C replaced by T.
Protein change: p.Thr2635Met; replaces threonine 2635 with methionine.
Molecular consequence: missense variant.
Genome position (GRCh38, 1-based): chr7:98,976,213, C>T. VCF-style: chr7-98976213-C-T. GRCh37 (hg19) VCF-style: chr7-98573836-C-T.
Other names: c.7883C>T, p.Thr2628Met (NM_001244580.2); c.7829C>T, p.Thr2610Met (NM_003496.4); short protein forms T2635M, T2610M, T2628M.
Identifiers: ClinVar variation 1371450 (VCV001371450.9), dbSNP rs760857914, ClinGen allele CA4361275.

ClinVar aggregate classification (germline): Uncertain significance. Review status: criteria provided, multiple submitters, no conflicts (2 of 4 stars). 2 submissions from 2 submitters: Uncertain significance (2). Last evaluated 2024-02-16.

Conditions:
Developmental delay with or without dysmorphic facies and autism. Identifiers: MedGen C5193106, MONDO:0032760, OMIM 618454.

Allele frequency attached by ClinVar (database versions not stated): ExAC 0.00001; gnomAD 0.00001; gnomAD exomes 0.00001; TOPMed 0.00001.
gnomAD v4.1: 22 of 1,614,040 alleles (0.0014%); highest among the groups gnomAD compares: Non-Finnish European, 0.0018%; no homozygotes.

Submissions (2):

Pittsburgh Clinical Genomics Laboratory, University of Pittsburgh Medical Center
Classification: Uncertain significance for Developmental delay with or without dysmorphic facies and autism. Last evaluated: 2024-02-16. Review status: criteria provided, single submitter. Criteria: ACMG Guidelines, 2015. Collection method: clinical testing. Allele origin: germline. Inheritance: Autosomal dominant inheritance. Affected: yes.
Comment: This sequence variant is a single nucleotide substitution (C>T) at position 7829 of the coding sequence of the TRRAP gene that results in a threonine to methionine amino acid change at residue 2610 of the transformation/transcription domain associated protein. This is a previously reported variant (ClinVar 1371450) that has not been observed in an individual affected by a TRRAP-related disorder in the published literature, to our knowledge. This variant is present in 4 of 403650 alleles (0.0010%) in the gnomAD population dataset. Multiple bioinformatic tools predict that this amino acid change would be damaging, and the Thr2610 residue at this position is highly conserved across the vertebrate species examined. Studies examining the functional consequence of this variant have not been published, to our knowledge. At this time, there is insufficient evidence to determine if this variant is pathogenic or benign. Therefore, we consider this a variant of uncertain significance. ACMG Criteria: PM2, PP3

Labcorp Genetics (formerly Invitae), Labcorp
Classification: Uncertain significance. Last evaluated: 2024-01-29. Review status: criteria provided, single submitter. Criteria: Invitae Variant Classification Sherloc (09022015). Collection method: clinical testing. Allele origin: germline.
Comment: This sequence change replaces threonine, which is neutral and polar, with methionine, which is neutral and non-polar, at codon 2610 of the TRRAP protein (p.Thr2610Met). This variant is present in population databases (rs760857914, gnomAD 0.002%). This variant has not been reported in the literature in individuals affected with TRRAP-related conditions. ClinVar contains an entry for this variant (Variation ID: 1371450). Advanced modeling of protein sequence and biophysical properties (such as structural, functional, and spatial information, amino acid conservation, physicochemical variation, residue mobility, and thermodynamic stability) performed at Invitae indicates that this missense variant is not expected to disrupt TRRAP protein function with a negative predictive value of 80%. In summary, the available evidence is currently insufficient to determine the role of this variant in disease. Therefore, it has been classified as a Variant of Uncertain Significance.